The following is an entry in ClinVar:

NM_000337.6(SGCD):c.*8071A>G

Gene: SGCD (sarcoglycan delta; plus strand). Cytogenetic location: 5q33.3.
Variant type: single nucleotide variant.
Coding change: c.*8071A>G on transcript NM_000337.6 (MANE Select); 8071 bases downstream of the stop codon, A replaced by G.
Molecular consequence: 3 prime UTR variant.
Genome position (GRCh38, 1-based): chr5:156,767,461, A>G. VCF-style: chr5-156767461-A-G. GRCh37 (hg19) VCF-style: chr5-156194472-A-G.
Other names: c.*8071A>G (NM_001128209.2).
Identifiers: ClinVar variation 903694 (VCV000903694.4), dbSNP rs73813790, ClinGen allele CA130643081.

ClinVar aggregate classification (germline): Benign (1 of 4 stars; one submission).

Conditions:
Qualitative or quantitative defects of delta-sarcoglycan. Identifiers: Orphanet 207070, MedGen C5680806, MONDO:0016144.

Allele frequency attached by ClinVar (database versions not stated): gnomAD 0.00542 and 0.00573; TOPMed 0.00618; 1000 Genomes Project 30x 0.00687; 1000 Genomes Project 0.00799.

Submission:

Illumina Laboratory Services, Illumina
Classification: Benign for Qualitative or quantitative defects of delta-sarcoglycan. Last evaluated: 2018-01-13. Review status: criteria provided, single submitter. Criteria: ICSL Variant Classification Criteria 13 December 2019. Collection method: clinical testing. Allele origin: germline.
Comment: This variant was observed in the ICSL laboratory as part of a predisposition screen in an ostensibly healthy population. It had not been previously curated by ICSL or reported in the Human Gene Mutation Database (HGMD: prior to June 1st, 2018), and was therefore a candidate for classification through an automated scoring system. Utilizing variant allele frequency, disease prevalence and penetrance estimates, and inheritance mode, an automated score was calculated to assess if this variant is too frequent to cause the disease. Based on the score and internal cut-off values, a variant classified as benign is not then subjected to further curation. The score for this variant resulted in a classification of benign for this disease.